The following is an entry in ClinVar:

ClinVar aggregate classification (germline): Uncertain significance (1 of 4 stars; one submission).

Allele frequency attached by ClinVar (database versions not stated): gnomAD exomes below 0.00001; TOPMed below 0.00001; ExAC 0.00001.

Submission:

Labcorp Genetics (formerly Invitae), Labcorp
Classification: Uncertain significance. Last evaluated: 2022-10-14. Review status: criteria provided, single submitter. Criteria: Invitae Variant Classification Sherloc (09022015). Collection method: clinical testing. Allele origin: germline.
Comment: This variant has not been reported in the literature in individuals affected with RXYLT1-related conditions. This variant is present in population databases (rs769939961, gnomAD 0.01%). This sequence change replaces threonine, which is neutral and polar, with isoleucine, which is neutral and non-polar, at codon 430 of the RXYLT1 protein (p.Thr430Ile). Advanced modeling of protein sequence and biophysical properties (such as structural, functional, and spatial information, amino acid conservation, physicochemical variation, residue mobility, and thermodynamic stability) performed at Invitae indicates that this missense variant is not expected to disrupt RXYLT1 protein function. In summary, the available evidence is currently insufficient to determine the role of this variant in disease. Therefore, it has been classified as a Variant of Uncertain Significance.

NM_014254.3(RXYLT1):c.1289C>T (p.Thr430Ile)

Genes: RXYLT1 (ribitol xylosyltransferase 1; plus strand), RXYLT1-AS1 (RXYLT1 antisense RNA 1; minus strand). Cytogenetic location: 12q14.2.
Variant type: single nucleotide variant.
Coding change: c.1289C>T on transcript NM_014254.3 (MANE Select); coding-DNA position 1289, C replaced by T.
Protein change: p.Thr430Ile; replaces threonine 430 with isoleucine.
Molecular consequence: missense variant.
Genome position (GRCh38, 1-based): chr12:63,809,049, C>T. VCF-style: chr12-63809049-C-T. GRCh37 (hg19) VCF-style: chr12-64202829-C-T.
Other names: c.509C>T, p.Thr170Ile (NM_001278237.2); short protein forms T170I, T430I.
Identifiers: ClinVar variation 1933114 (VCV001933114.3), dbSNP rs769939961, ClinGen allele CA6666268.